The following is an entry in ClinVar:

NM_001374828.1(ARID1B):c.612_632del (p.Gln208_Gln214del)

Genes: ARID1B (AT-rich interaction domain 1B; plus strand), LOC115308161 (uncharacterized LOC115308161; minus strand). Cytogenetic location: 6q25.3.
Variant type: Deletion.
Coding change: c.612_632del on transcript NM_001374828.1 (MANE Select); coding-DNA positions 612 to 632, 21 bases deleted (ACAGCAGCAGCAGCAGCAGCA).
Protein change: p.Gln208_Gln214del.
Molecular consequence: inframe deletion. On other transcripts: non-coding transcript variant (1).
Genome position (GRCh38, 1-based): chr6:156,778,292-156,778,312, ACAGCAGCAGCAGCAGCAGCA deleted; deleting any 21 consecutive bases within chr6:156,778,272-156,778,312 gives the same sequence; the c. name uses the placement nearest the transcript's 3' end. VCF-style (leftmost placement, unchanged base first): chr6-156778271-GCAGCAGCAGCAGCAGCAGCAA-G. GRCh37 (hg19) VCF-style: chr6-157099405-GCAGCAGCAGCAGCAGCAGCAA-G.
Other names: c.363_383del21 (NM_020732.3); c.612_632del, p.Gln208_Gln214del (NM_001371656.1, NM_001374820.1, NM_017519.3); c.363_383del, p.Gln125_Gln131del (NM_020732.3).
Identifiers: ClinVar variation 434350 (VCV000434350.49), dbSNP rs762617219, ClinGen allele CA4066649.

ClinVar aggregate classification (germline): Likely benign. Review status: criteria provided, multiple submitters, no conflicts (2 of 4 stars). 6 submissions from 6 submitters: Likely benign (5). 1 of the submissions does not count toward it. Last evaluated 2026-01-19.

Conditions:
ARID1B-Related Disorder. Identifiers: MedGen CN381337.
Inborn genetic diseases. Identifiers: MedGen C0950123, MeSH D030342.

Submissions (6):

Labcorp Genetics (formerly Invitae), Labcorp
Classification: Likely benign. Last evaluated: 2026-01-19. Review status: criteria provided, single submitter. Criteria: Invitae Variant Classification Sherloc (09022015). Collection method: clinical testing. Allele origin: germline.

Blueprint Genetics
Classification: Likely benign. Last evaluated: 2023-06-28. Review status: criteria provided, single submitter. Criteria: ACMG Guidelines, 2015. Collection method: clinical testing. Allele origin: germline.

CeGaT Center for Human Genetics Tuebingen
Classification: Likely benign. Last evaluated: 2022-02-01. Review status: criteria provided, single submitter. Criteria: CeGaT Center For Human Genetics Tuebingen Variant Classification Criteria Version 2. Collection method: clinical testing. Allele origin: germline. Affected: yes. Observed: 1 variant allele.

Ambry Genetics
Classification: Likely benign for Inborn genetic diseases. Last evaluated: 2018-09-06. Review status: criteria provided, single submitter. Criteria: Ambry Variant Classification Scheme 2023. Collection method: clinical testing. Allele origin: germline.

Genetic Services Laboratory, University of Chicago
Classification: Likely benign. Last evaluated: 2016-04-12. Review status: criteria provided, single submitter. Criteria: ACMG Guidelines, 2015. Collection method: clinical testing. Allele origin: germline. Affected: no.

PreventionGenetics, part of Exact Sciences
Classification: Likely benign for ARID1B-related condition. Last evaluated: 2023-12-21. Review status: no assertion criteria provided. Collection method: clinical testing. Allele origin: germline. Not counted in ClinVar's aggregate classification.
Comment: This variant is classified as likely benign based on ACMG/AMP sequence variant interpretation guidelines (Richards et al. 2015 PMID: 25741868, with internal and published modifications).